The following is an entry in ClinVar:

ClinVar aggregate classification (germline): Conflicting classifications of pathogenicity. Review status: criteria provided, conflicting classifications (1 of 4 stars). 4 submissions from 4 submitters: Likely pathogenic (1); Uncertain significance (2). 1 of the submissions does not count toward it. Last evaluated 2026-03-19.

Conditions:
Intellectual developmental disorder with neuropsychiatric features. Identifiers: MedGen C4479636, MONDO:0044322, OMIM 617532.

Allele frequency attached by ClinVar (database versions not stated): gnomAD 0.00010 and 0.00011; gnomAD exomes 0.00010 and 0.00017; TOPMed 0.00011; ExAC 0.00015; ESP Exome Variant Server 0.00015.
gnomAD v4.1: 155 of 1,613,086 alleles (0.0096%); highest among the groups gnomAD compares: Admixed American, 0.017%; no homozygotes.

Submissions (4):

GeneDx
Classification: Uncertain significance. Last evaluated: 2026-03-19. Review status: criteria provided, single submitter. Criteria: GeneDx Variant Classification Process June 2021. Collection method: clinical testing. Allele origin: germline.
Comment: Published functional studies demonstrate a damaging effect with decreased uptake of glucose in variant-expressing cells (PMID: 28434495); In silico analysis suggests that this missense variant does not alter protein structure/function; This variant is associated with the following publications: (PMID: 28434495)

Dasa
Classification: Uncertain significance. Last evaluated: 2025-12-01. Review status: criteria provided, single submitter. Criteria: DASA Assertion Criteria. Collection method: clinical testing. Allele origin: germline.
Comment: NM_001080397.3(SLC45A1):c.629C>T (p.Ala210Val) is a missense variant that results in the substitution of alanine with valine. Segregation data support an association with disease in the reported family/families (PMID: 28434495; PMID: 39003656). This variant has been recurrently observed in individuals with SLC45A1-related disorders (PMID: 28434495; PMID: 39003656). Functional evidence supports an impact on the gene or gene product (PMID: 28434495; PMID: 39003656). Also, this variant is rare in population databases. The currently available literature and clinical evidence are not sufficient to establish a definitive association between this variant and the reported condition. Therefore, this variant is classified as a variant of uncertain significance.

Revvity Omics, Revvity
Classification: Likely pathogenic for Intellectual developmental disorder with neuropsychiatric features. Last evaluated: 2021-06-28. Review status: criteria provided, single submitter. Criteria: ACMG Guidelines, 2015. Collection method: clinical testing. Allele origin: germline.

OMIM
Classification: Pathogenic for INTELLECTUAL DEVELOPMENTAL DISORDER WITH NEUROPSYCHIATRIC FEATURES. Last evaluated: 2017-06-26. Review status: no assertion criteria provided. Collection method: literature only. Allele origin: germline. Not counted in ClinVar's aggregate classification.

Literature cited by the submitters: PubMed 28434495 (cited by Dasa and OMIM); PubMed 39003656 (cited by Dasa).

NM_001080397.3(SLC45A1):c.629C>T (p.Ala210Val)

Gene: SLC45A1 (solute carrier family 45 member 1; plus strand). Cytogenetic location: 1p36.23.
Variant type: single nucleotide variant.
Coding change: c.629C>T on transcript NM_001080397.3 (MANE Select); coding-DNA position 629, C replaced by T.
Protein change: p.Ala210Val; replaces alanine 210 with valine.
Molecular consequence: missense variant.
Genome position (GRCh38, 1-based): chr1:8,325,956, C>T. VCF-style: chr1-8325956-C-T. GRCh37 (hg19) VCF-style: chr1-8386016-C-T.
Other names: A210V; c.629C>T, p.Ala210Val (NM_001379614.1); c.536C>T, p.Ala179Val (NM_001379615.1, NM_001379616.1); c.23C>T, p.Ala8Val (NM_001379617.1, NM_001379618.1); short protein forms A179V, A8V.
Identifiers: ClinVar variation 428598 (VCV000428598.8), dbSNP rs150539474, ClinGen allele CA570148.